The following is an entry in ClinVar:

NM_012239.6(SIRT3):c.853G>A (p.Gly285Ser)

Gene: SIRT3 (sirtuin 3; minus strand). Cytogenetic location: 11p15.5.
Variant type: single nucleotide variant.
Coding change: c.853G>A on transcript NM_012239.6 (MANE Select); coding-DNA position 853, G replaced by A.
Protein change: p.Gly285Ser; replaces glycine 285 with serine.
Molecular consequence: missense variant. On other transcripts: non-coding transcript variant (16), intron variant (1).
Genome position (GRCh38, 1-based): chr11:224,194, C>T on the plus strand (G>A on the coding strand, the complement: SIRT3 is on the minus strand). VCF-style: chr11-224194-C-T. GRCh37 (hg19) VCF-style: chr11-224194-C-T.
Other names: c.427G>A, p.Gly143Ser (NM_001017524.3, NM_001370318.1, NM_001370319.1 and 6 more transcripts); c.853G>A, p.Gly285Ser (NM_001370310.1); c.661G>A, p.Gly221Ser (NM_001370312.1); c.610G>A, p.Gly204Ser (NM_001370315.1); c.181G>A, p.Gly61Ser (NM_001370316.1); c.37G>A, p.Gly13Ser (NM_001370317.1); c.808-5153G>A (NM_001370314.1); short protein forms G13S, G143S, G204S, G221S, G285S, G61S.
Identifiers: ClinVar variation 3044843 (VCV003044843.2), dbSNP rs147722093, ClinGen allele CA5771054.

ClinVar aggregate classification (germline): Likely benign (0 of 4 stars; one submission).

Conditions:
SIRT3-related disorder. Also called: SIRT3-related condition.

Allele frequency attached by ClinVar (database versions not stated): 1000 Genomes Project 30x 0.00031; 1000 Genomes Project 0.00040; ExAC 0.00126; TOPMed 0.00144; gnomAD 0.00145; ESP Exome Variant Server 0.00177; gnomAD exomes 0.00204.
gnomAD v4.1: 3,190 of 1,614,164 alleles (0.2%); highest among the groups gnomAD compares: Non-Finnish European, 0.25%; 2 homozygotes.

Submission:

PreventionGenetics, part of Exact Sciences
Classification: Likely benign for SIRT3-related condition. Last evaluated: 2022-03-09. Review status: no assertion criteria provided. Collection method: clinical testing. Allele origin: germline.
Comment: This variant is classified as likely benign based on ACMG/AMP sequence variant interpretation guidelines (Richards et al. 2015 PMID: 25741868, with internal and published modifications).